The following is an entry in ClinVar:

NM_000844.4(GRM7):c.1025C>T (p.Thr342Met)

Gene: GRM7 (glutamate metabotropic receptor 7; plus strand). Cytogenetic location: 3p26.1.
Variant type: single nucleotide variant.
Coding change: c.1025C>T on transcript NM_000844.4 (MANE Select); coding-DNA position 1025, C replaced by T.
Protein change: p.Thr342Met; replaces threonine 342 with methionine.
Molecular consequence: missense variant.
Genome position (GRCh38, 1-based): chr3:7,306,644, C>T. VCF-style: chr3-7306644-C-T. GRCh37 (hg19) VCF-style: chr3-7348331-C-T.
Other names: c.1025C>T, p.Thr342Met (NM_181874.3); short protein forms T342M.
Identifiers: ClinVar variation 2183356 (VCV002183356.4), dbSNP rs755371859, ClinGen allele CA2234754.

ClinVar aggregate classification (germline): Uncertain significance (1 of 4 stars; one submission).

Allele frequency attached by ClinVar (database versions not stated): gnomAD 0.00002; TOPMed 0.00003; ExAC 0.00007.
gnomAD v4.1: 54 of 1,600,202 alleles (0.0034%); highest among the groups gnomAD compares: Middle Eastern, 0.033%; no homozygotes.

Submission:

Labcorp Genetics (formerly Invitae), Labcorp
Classification: Uncertain significance. Last evaluated: 2024-11-05. Review status: criteria provided, single submitter. Criteria: Invitae Variant Classification Sherloc (09022015). Collection method: clinical testing. Allele origin: germline.
Comment: This sequence change replaces threonine, which is neutral and polar, with methionine, which is neutral and non-polar, at codon 342 of the GRM7 protein (p.Thr342Met). This variant is present in population databases (rs755371859, gnomAD 0.007%). This variant has not been reported in the literature in individuals affected with GRM7-related conditions. ClinVar contains an entry for this variant (Variation ID: 2183356). Invitae Evidence Modeling of protein sequence and biophysical properties (such as structural, functional, and spatial information, amino acid conservation, physicochemical variation, residue mobility, and thermodynamic stability) indicates that this missense variant is not expected to disrupt GRM7 protein function with a negative predictive value of 80%. In summary, the available evidence is currently insufficient to determine the role of this variant in disease. Therefore, it has been classified as a Variant of Uncertain Significance.